The following is an entry in ClinVar:

NM_014112.5(TRPS1):c.1630C>G (p.Arg544Gly)

Gene: TRPS1 (transcriptional repressor GATA binding 1; minus strand). Cytogenetic location: 8q23.3.
Variant type: single nucleotide variant.
Coding change: c.1630C>G on transcript NM_014112.5 (MANE Select); coding-DNA position 1630, C replaced by G.
Protein change: p.Arg544Gly; replaces arginine 544 with glycine.
Molecular consequence: missense variant.
Genome position (GRCh38, 1-based): chr8:115,604,339, G>C on the plus strand (C>G on the coding strand, the complement: TRPS1 is on the minus strand). VCF-style: chr8-115604339-G-C. GRCh37 (hg19) VCF-style: chr8-116616566-G-C.
Other names: c.1603C>G, p.Arg535Gly (NM_001282902.3); c.1609C>G, p.Arg537Gly (NM_001282903.3); c.1591C>G, p.Arg531Gly (NM_001330599.2); short protein forms R531G, R535G, R537G, R544G.
Identifiers: ClinVar variation 2573868 (VCV002573868.1), dbSNP rs886040971, ClinGen allele CA372066969.

ClinVar aggregate classification (germline): Uncertain significance (1 of 4 stars; one submission).

Submission:

GeneDx
Classification: Uncertain significance. Last evaluated: 2023-01-23. Review status: criteria provided, single submitter. Criteria: GeneDx Variant Classification Process June 2021. Collection method: clinical testing. Allele origin: germline. Affected: yes.
Comment: Not observed at significant frequency in large population cohorts (gnomAD); In silico analysis supports that this missense variant has a deleterious effect on protein structure/function; Has not been previously published as pathogenic or benign to our knowledge